The following is an entry in ClinVar:

NM_005802.5(TOPORS):c.1808G>A (p.Arg603His)

Gene: TOPORS (TOP1 binding arginine/serine rich protein, E3 ubiquitin ligase; minus strand). Cytogenetic location: 9p21.1.
Variant type: single nucleotide variant.
Coding change: c.1808G>A on transcript NM_005802.5 (MANE Select); coding-DNA position 1808, G replaced by A.
Protein change: p.Arg603His; replaces arginine 603 with histidine.
Molecular consequence: missense variant.
Genome position (GRCh38, 1-based): chr9:32,542,717, C>T on the plus strand (G>A on the coding strand, the complement: TOPORS is on the minus strand). VCF-style: chr9-32542717-C-T. GRCh37 (hg19) VCF-style: chr9-32542715-C-T.
Other names: c.1808G>A (NM_005802.4); c.1613G>A, p.Arg538His (NM_001195622.2); short protein forms R538H, R603H.
Identifiers: ClinVar variation 1431867 (VCV001431867.10), dbSNP rs781459633, ClinGen allele CA5020466.
Genomic context (GRCh38, chr9:32,542,717, plus strand): 5'-CTTTTCTTCCCATGATGCTTTCTATGATTCTTCTGATCATGCCCACTTCTACTCTGAGAA[C>T]GTGAATCTGAACTTCTTGATCTTCCCCTCTTTCTGTGTCTATGGTTATATGGAGAATATA-3'
Protein context (NP_005793.2, residues 593-613): KRGRSRSSDS[Arg603His]SQSRSGHDQK

ClinVar aggregate classification (germline): Conflicting classifications of pathogenicity. Review status: criteria provided, conflicting classifications (1 of 4 stars). 4 submissions from 4 submitters: Uncertain significance (3); Likely benign (1). Last evaluated 2025-11-12.

Conditions:
Inborn genetic diseases. Identifiers: MedGen C0950123, MeSH D030342.
TOPORS-related disorder. Also called: TOPORS-related condition.

Allele frequency attached by ClinVar (database versions not stated): ExAC 0.00002; gnomAD exomes 0.00002; TOPMed 0.00002; gnomAD 0.00003.

Submissions (4):

Labcorp Genetics (formerly Invitae), Labcorp
Classification: Uncertain significance. Last evaluated: 2025-11-12. Review status: criteria provided, single submitter. Criteria: Invitae Variant Classification Sherloc (09022015). Collection method: clinical testing. Allele origin: germline.
Comment: This sequence change replaces arginine, which is basic and polar, with histidine, which is basic and polar, at codon 603 of the TOPORS protein (p.Arg603His). This variant is present in population databases (rs781459633, gnomAD 0.004%). This variant has not been reported in the literature in individuals affected with TOPORS-related conditions. ClinVar contains an entry for this variant (Variation ID: 1431867). An algorithm developed to predict the effect of missense changes on protein structure and function outputs the following: PolyPhen-2: "Not Available". The histidine amino acid residue is found in multiple mammalian species, which suggests that this missense change does not adversely affect protein function. In summary, the available evidence is currently insufficient to determine the role of this variant in disease. Therefore, it has been classified as a Variant of Uncertain Significance.

Ambry Genetics
Classification: Uncertain significance for Inborn genetic diseases. Last evaluated: 2025-10-28. Review status: criteria provided, single submitter. Criteria: Ambry Variant Classification Scheme 2023. Collection method: clinical testing. Allele origin: germline.

PreventionGenetics, part of Exact Sciences
Classification: Uncertain significance for TOPORS-related condition. Last evaluated: 2025-08-18. Review status: criteria provided, single submitter. Criteria: ACMG Guidelines, 2015. Collection method: clinical testing. Allele origin: germline.
Comment: The TOPORS c.1808G>A variant is predicted to result in the amino acid substitution p.Arg603His. To our knowledge, this variant has not been reported in the literature. This variant is reported in 0.0044% of alleles in individuals of European (Non-Finnish) descent in gnomAD. At this time, the clinical significance of this variant is uncertain due to the absence of conclusive functional and genetic evidence.

Blueprint Genetics
Classification: Likely benign. Last evaluated: 2024-03-12. Review status: criteria provided, single submitter. Criteria: ACMG Guidelines, 2015. Collection method: clinical testing. Allele origin: germline.